The following is an entry in ClinVar:

ClinVar aggregate classification (germline): Uncertain significance (1 of 4 stars; one submission).

Conditions:
DICER1-related tumor predisposition. Also called: DICER1 syndrome; DICER1-related pleuropulmonary blastoma cancer predisposition syndrome. Identifiers: Orphanet 284343, MedGen C3839822, MONDO:0100216.

Allele frequency attached by ClinVar (database versions not stated): gnomAD exomes below 0.00001.
gnomAD v4.1: 1 of 1,614,088 alleles (0.000062%); highest among the groups gnomAD compares: Non-Finnish European, 0.000085%; no homozygotes.

Submission:

Labcorp Genetics (formerly Invitae), Labcorp
Classification: Uncertain significance for DICER1-related tumor predisposition. Last evaluated: 2024-04-10. Review status: criteria provided, single submitter. Criteria: Invitae Variant Classification Sherloc (09022015). Collection method: clinical testing. Allele origin: germline.
Comment: This sequence change replaces leucine, which is neutral and non-polar, with phenylalanine, which is neutral and non-polar, at codon 381 of the DICER1 protein (p.Leu381Phe). This variant is not present in population databases (gnomAD no frequency). This variant has not been reported in the literature in individuals affected with DICER1-related conditions. ClinVar contains an entry for this variant (Variation ID: 1349147). Advanced modeling of protein sequence and biophysical properties (such as structural, functional, and spatial information, amino acid conservation, physicochemical variation, residue mobility, and thermodynamic stability) performed at Invitae indicates that this missense variant is not expected to disrupt DICER1 protein function with a negative predictive value of 80%. In summary, the available evidence is currently insufficient to determine the role of this variant in disease. Therefore, it has been classified as a Variant of Uncertain Significance.

NM_177438.3(DICER1):c.1141C>T (p.Leu381Phe)

Gene: DICER1 (dicer 1, ribonuclease III; minus strand). Cytogenetic location: 14q32.13.
Variant type: single nucleotide variant.
Coding change: c.1141C>T on transcript NM_177438.3 (MANE Select); coding-DNA position 1141, C replaced by T.
Protein change: p.Leu381Phe; replaces leucine 381 with phenylalanine.
Molecular consequence: missense variant.
Genome position (GRCh38, 1-based): chr14:95,124,431, G>A on the plus strand (C>T on the coding strand, the complement: DICER1 is on the minus strand). VCF-style: chr14-95124431-G-A. GRCh37 (hg19) VCF-style: chr14-95590768-G-A.
Other names: c.1141C>T, p.Leu381Phe (NM_001195573.1, NM_001271282.3, NM_001291628.2 and 1 more transcripts); short protein forms L381F.
Identifiers: ClinVar variation 1349147 (VCV001349147.9), dbSNP rs2140204601, ClinGen allele CA390886874.